The following is an entry in ClinVar:

ClinVar aggregate classification (germline): Uncertain significance (1 of 4 stars; one submission).

Conditions:
Cardiomyopathy (CMYO). Also called: Cardiomyopathies. Identifiers: Orphanet 167848, MedGen C0878544, MONDO:0004994, HP:0001638. Inheritance: Various modes of inheritance.

Submission:

Color Diagnostics, LLC DBA Color Health
Classification: Uncertain significance for Cardiomyopathy. Last evaluated: 2023-12-04. Review status: criteria provided, single submitter. Criteria: ACMG Guidelines, 2015. Collection method: clinical testing. Allele origin: germline.
Comment: Variant of Uncertain Significance due to insufficient evidence: This missense variant is located in the Ig-like domain C0 of the MYBPC3 protein. Computational prediction tools and conservation analyses are inconclusive regarding the impact of this variant on the protein function. Computational splicing tools suggest that this variant may not impact RNA splicing. To our knowledge, functional assays have not been performed for this variant nor has this variant been reported in individuals affected with cardiovascular disorders in the literature. This variant is rare in the general population and has been identified in 0/277264 chromosomes by the Genome Aggregation Database (gnomAD). Available evidence is insufficient to determine the pathogenicity of this variant conclusively.

NM_000256.3(MYBPC3):c.485A>T (p.Gln162Leu)

Gene: MYBPC3 (myosin binding protein C3; minus strand). Cytogenetic location: 11p11.2.
Variant type: single nucleotide variant.
Coding change: c.485A>T on transcript NM_000256.3 (MANE Select); coding-DNA position 485, A replaced by T.
Protein change: p.Gln162Leu; replaces glutamine 162 with leucine.
Molecular consequence: missense variant.
Genome position (GRCh38, 1-based): chr11:47,350,034, T>A on the plus strand (A>T on the coding strand, the complement: MYBPC3 is on the minus strand). VCF-style: chr11-47350034-T-A. GRCh37 (hg19) VCF-style: chr11-47371585-T-A.
Other names: c.485A>T, p.Gln162Leu (LRG_386t1); short protein forms Q162L.
Identifiers: ClinVar variation 629669 (VCV000629669.4), dbSNP rs1565631087, ClinGen allele CA380338487.